The following is an entry in ClinVar:

NM_001379500.1(COL18A1):c.2519G>A (p.Gly840Asp)

Gene: COL18A1 (collagen type XVIII alpha 1 chain; plus strand). Cytogenetic location: 21q22.3.
Variant type: single nucleotide variant.
Coding change: c.2519G>A on transcript NM_001379500.1 (MANE Select); coding-DNA position 2519, G replaced by A.
Protein change: p.Gly840Asp; replaces glycine 840 with aspartic acid.
Molecular consequence: missense variant.
Genome position (GRCh38, 1-based): chr21:45,496,510, G>A. VCF-style: chr21-45496510-G-A. GRCh37 (hg19) VCF-style: chr21-46916424-G-A.
Other names: c.3059G>A, p.Gly1020Asp (NM_030582.4); c.3764G>A, p.Gly1255Asp (NM_130444.3); short protein forms G1255D, G840D, G1020D.
Identifiers: ClinVar variation 1358986 (VCV001358986.6), dbSNP rs1450283602, ClinGen allele CA410497918.

ClinVar aggregate classification (germline): Uncertain significance (1 of 4 stars; one submission).

Allele frequency attached by ClinVar (database versions not stated): gnomAD exomes below 0.00001; TOPMed below 0.00001.
gnomAD v4.1: 3 of 1,465,056 alleles (0.0002%); highest among the groups gnomAD compares: Non-Finnish European, 0.00029%; no homozygotes.

Submission:

Labcorp Genetics (formerly Invitae), Labcorp
Classification: Uncertain significance. Last evaluated: 2022-10-17. Review status: criteria provided, single submitter. Criteria: Invitae Variant Classification Sherloc (09022015). Collection method: clinical testing. Allele origin: germline.
Comment: This sequence change replaces glycine, which is neutral and non-polar, with aspartic acid, which is acidic and polar, at codon 840 of the COL18A1 protein (p.Gly840Asp). This variant is not present in population databases (gnomAD no frequency). This variant has not been reported in the literature in individuals affected with COL18A1-related conditions. ClinVar contains an entry for this variant (Variation ID: 1358986). Experimental studies and prediction algorithms are not available or were not evaluated, and the functional significance of this variant is currently unknown. In summary, the available evidence is currently insufficient to determine the role of this variant in disease. Therefore, it has been classified as a Variant of Uncertain Significance.